The following is an entry in ClinVar:

NM_001378969.1(KCND3):c.580G>A (p.Ala194Thr)

Gene: KCND3 (potassium voltage-gated channel subfamily D member 3; minus strand). Cytogenetic location: 1p13.2.
Variant type: single nucleotide variant.
Coding change: c.580G>A on transcript NM_001378969.1 (MANE Select); coding-DNA position 580, G replaced by A.
Protein change: p.Ala194Thr; replaces alanine 194 with threonine.
Molecular consequence: missense variant.
Genome position (GRCh38, 1-based): chr1:111,982,147, C>T on the plus strand (G>A on the coding strand, the complement: KCND3 is on the minus strand). VCF-style: chr1-111982147-C-T. GRCh37 (hg19) VCF-style: chr1-112524769-C-T.
Other names: c.580G>A, p.Ala194Thr (NM_001378970.1, NM_004980.5, NM_172198.3); short protein forms A194T.
Identifiers: ClinVar variation 3678122 (VCV003678122.2).

ClinVar aggregate classification (germline): Uncertain significance (1 of 4 stars; one submission).

Conditions:
Spinocerebellar ataxia type 19/22 (SCA19). Also called: SPINOCEREBELLAR ATAXIA 22; SPINOCEREBELLAR ATAXIA 19. Identifiers: Orphanet 98772, MedGen C1846367, MONDO:0011819, OMIM 607346.

Submission:

Labcorp Genetics (formerly Invitae), Labcorp
Classification: Uncertain significance for Spinocerebellar ataxia type 19/22. Last evaluated: 2025-01-31. Review status: criteria provided, single submitter. Criteria: Invitae Variant Classification Sherloc (09022015). Collection method: clinical testing. Allele origin: germline.
Comment: This sequence change replaces alanine, which is neutral and non-polar, with threonine, which is neutral and polar, at codon 194 of the KCND3 protein (p.Ala194Thr). This variant is not present in population databases (gnomAD no frequency). This variant has not been reported in the literature in individuals affected with KCND3-related conditions. Invitae Evidence Modeling of protein sequence and biophysical properties (such as structural, functional, and spatial information, amino acid conservation, physicochemical variation, residue mobility, and thermodynamic stability) has been performed for this missense variant. However, the output from this modeling did not meet the statistical confidence thresholds required to predict the impact of this variant on KCND3 protein function. In summary, the available evidence is currently insufficient to determine the role of this variant in disease. Therefore, it has been classified as a Variant of Uncertain Significance.